The following is an entry in ClinVar:

ClinVar aggregate classification (germline): Uncertain significance. Review status: criteria provided, multiple submitters, no conflicts (2 of 4 stars). 2 submissions from 2 submitters: Uncertain significance (2). Last evaluated 2023-06-26.

Conditions:
Hereditary spastic paraplegia 11. Also called: Nakamura Osame syndrome; Autosomal recessive hereditary spastic paraplegia, mental impairment, and thin corpus callosum; SPASTIC PARAPLEGIA, AUTOSOMAL RECESSIVE, COMPLICATED, WITH THIN CORPUS CALLOSUM; SPASTIC PARAPLEGIA, AUTOSOMAL RECESSIVE, WITH MENTAL IMPAIRMENT AND THIN CORPUS CALLOSUM; Spastic paraplegia, mental retardation and thin corpus callosum; Spastic Paraplegia 11. Identifiers: Orphanet 2822, MedGen C1858479, MONDO:0011445, OMIM 604360.
Inborn genetic diseases. Identifiers: MedGen C0950123, MeSH D030342.

Allele frequency attached by ClinVar (database versions not stated): gnomAD 0.00001; ExAC 0.00002; gnomAD exomes 0.00002; TOPMed 0.00002.
gnomAD v4.1: 34 of 1,607,836 alleles (0.0021%); highest among the groups gnomAD compares: Middle Eastern, 0.016%; no homozygotes.

Submissions (2):

Ambry Genetics
Classification: Uncertain significance for Inborn genetic diseases. Last evaluated: 2023-06-26. Review status: criteria provided, single submitter. Criteria: Ambry Variant Classification Scheme 2023. Collection method: clinical testing. Allele origin: germline.
Comment: The c.2834+6A>G intronic alteration consists of a A to G substitution 6 nucleotides after exon 15 (coding exon 15) in the SPG11 gene. Based on insufficient or conflicting evidence, the clinical significance of this alteration remains unclear.

Labcorp Genetics (formerly Invitae), Labcorp
Classification: Uncertain significance for Hereditary spastic paraplegia 11. Last evaluated: 2022-02-12. Review status: criteria provided, single submitter. Criteria: Invitae Variant Classification Sherloc (09022015). Collection method: clinical testing. Allele origin: germline.
Comment: This sequence change falls in intron 15 of the SPG11 gene. It does not directly change the encoded amino acid sequence of the SPG11 protein. It affects a nucleotide within the consensus splice site. This variant is present in population databases (rs766369623, gnomAD 0.003%). This variant has not been reported in the literature in individuals affected with SPG11-related conditions. ClinVar contains an entry for this variant (Variation ID: 576392). Variants that disrupt the consensus splice site are a relatively common cause of aberrant splicing (PMID: 17576681, 9536098). Algorithms developed to predict the effect of sequence changes on RNA splicing suggest that this variant may create or strengthen a splice site. In summary, the available evidence is currently insufficient to determine the role of this variant in disease. Therefore, it has been classified as a Variant of Uncertain Significance.

Literature cited by the submitters: PubMed 17576681 (cited by Labcorp Genetics (formerly Invitae), Labcorp); PubMed 9536098 (cited by Labcorp Genetics (formerly Invitae), Labcorp).

NM_025137.4(SPG11):c.2834+6A>G

Gene: SPG11 (SPG11 vesicle trafficking associated, spatacsin; minus strand). Cytogenetic location: 15q21.1.
Variant type: single nucleotide variant.
Coding change: c.2834+6A>G on transcript NM_025137.4 (MANE Select); 6 bases into the intron after coding-DNA position 2834, A replaced by G.
Molecular consequence: intron variant.
Genome position (GRCh38, 1-based): chr15:44,620,184, T>C on the plus strand (A>G on the coding strand, the complement: SPG11 is on the minus strand). VCF-style: chr15-44620184-T-C. GRCh37 (hg19) VCF-style: chr15-44912382-T-C.
Other names: c.2834+6A>G (NM_001160227.2).
Identifiers: ClinVar variation 576392 (VCV000576392.8), dbSNP rs766369623, ClinGen allele CA7535137.